The following is an entry in ClinVar:

NM_003801.4(GPAA1):c.813+1G>A

Gene: GPAA1 (glycosylphosphatidylinositol anchor attachment 1; plus strand). Cytogenetic location: 8q24.3.
Variant type: single nucleotide variant.
Coding change: c.813+1G>A on transcript NM_003801.4 (MANE Select); the canonical splice donor site of the intron after coding-DNA position 813, G replaced by A.
Molecular consequence: splice donor variant.
Genome position (GRCh38, 1-based): chr8:144,084,331, G>A. VCF-style: chr8-144084331-G-A. GRCh37 (hg19) VCF-style: chr8-145139234-G-A.
Identifiers: ClinVar variation 1951227 (VCV001951227.5), dbSNP rs2537316101, ClinGen allele CA372600810.

ClinVar aggregate classification (germline): Likely pathogenic (1 of 4 stars; one submission).

Submission:

Labcorp Genetics (formerly Invitae), Labcorp
Classification: Likely pathogenic. Last evaluated: 2023-07-21. Review status: criteria provided, single submitter. Criteria: Invitae Variant Classification Sherloc (09022015). Collection method: clinical testing. Allele origin: germline.
Comment: In summary, the currently available evidence indicates that the variant is pathogenic, but additional data are needed to prove that conclusively. Therefore, this variant has been classified as Likely Pathogenic. This sequence change affects a donor splice site in intron 6 of the GPAA1 gene. It is expected to disrupt RNA splicing. Variants that disrupt the donor or acceptor splice site typically lead to a loss of protein function (PMID: 16199547), and loss-of-function variants in GPAA1 are known to be pathogenic (PMID: 29100095). This variant is not present in population databases (gnomAD no frequency). This variant has not been reported in the literature in individuals affected with GPAA1-related conditions. ClinVar contains an entry for this variant (Variation ID: 1951227). Algorithms developed to predict the effect of sequence changes on RNA splicing suggest that this variant may disrupt the consensus splice site.

Literature cited by the submitters: PubMed 16199547; PubMed 29100095.